The following is an entry in ClinVar:

NM_001032283.3(TMPO):c.88G>C (p.Gly30Arg)

Genes: TMPO (thymopoietin; plus strand), TMPO-AS1 (TMPO antisense RNA 1; minus strand). Cytogenetic location: 12q23.1.
Variant type: single nucleotide variant.
Coding change: c.88G>C on transcript NM_001032283.3 (MANE Select); coding-DNA position 88, G replaced by C.
Protein change: p.Gly30Arg; replaces glycine 30 with arginine.
Molecular consequence: missense variant.
Genome position (GRCh38, 1-based): chr12:98,515,955, G>C. VCF-style: chr12-98515955-G-C. GRCh37 (hg19) VCF-style: chr12-98909733-G-C.
Other names: c.88G>C, p.Gly30Arg (NM_001032284.3, NM_001307975.2, NM_003276.2); short protein forms G30R.
Identifiers: ClinVar variation 519145 (VCV000519145.7), dbSNP rs1555201569, ClinGen allele CA386239411.

ClinVar aggregate classification (germline): Uncertain significance. Review status: criteria provided, multiple submitters, no conflicts (2 of 4 stars). 2 submissions from 2 submitters: Uncertain significance (2). Last evaluated 2025-04-22.

Conditions:
Loeys-Dietz syndrome 2 (LDS2). Also called: TGFBR2-Related Loeys-Dietz Syndrome; AORTIC ANEURYSM, FAMILIAL THORACIC 3; MARFAN SYNDROME, TYPE II; Marfan syndrome, type 2 (formerly); Marfan Syndrome type 2; Marfan like connective tissue disorder. Identifiers: Orphanet 284973, Orphanet 558, MedGen C2674574, MONDO:0012427, OMIM 610168.

Allele frequency attached by ClinVar (database versions not stated): gnomAD exomes 0.00001.
gnomAD v4.1: 12 of 1,613,290 alleles (0.00074%); highest among the groups gnomAD compares: Non-Finnish European, 0.001%; no homozygotes.

Submissions (2):

Labcorp Genetics (formerly Invitae), Labcorp
Classification: Uncertain significance for Loeys-Dietz syndrome 2. Last evaluated: 2025-04-22. Review status: criteria provided, single submitter. Criteria: Invitae Variant Classification Sherloc (09022015). Collection method: clinical testing. Allele origin: germline.
Comment: This sequence change replaces glycine, which is neutral and non-polar, with arginine, which is basic and polar, at codon 30 of the TMPO protein (p.Gly30Arg). This variant is not present in population databases (gnomAD no frequency). This variant has not been reported in the literature in individuals affected with TMPO-related conditions. ClinVar contains an entry for this variant (Variation ID: 519145). An algorithm developed to predict the effect of missense changes on protein structure and function (PolyPhen-2) suggests that this variant is likely to be disruptive. In summary, the available evidence is currently insufficient to determine the role of this variant in disease. Therefore, it has been classified as a Variant of Uncertain Significance.

Ambry Genetics
Classification: Uncertain significance. Last evaluated: 2017-01-05. Review status: criteria provided, single submitter. Criteria: Ambry Variant Classification Scheme 2023. Collection method: clinical testing. Allele origin: germline.
Comment: The p.G30R variant (also known as c.88G>C), located in coding exon 1 of the TMPO gene, results from a G to C substitution at nucleotide position 88. The glycine at codon 30 is replaced by arginine, an amino acid with dissimilar properties. This amino acid position is highly conserved in available vertebrate species. In addition, the in silico prediction for this alteration is inconclusive. Since supporting evidence is limited at this time, the clinical significance of this alteration remains unclear.